The following is an entry in ClinVar:

NM_014822.4(SEC24D):c.2557T>C (p.Cys853Arg)

Gene: SEC24D (SEC24 homolog D, COPII component; minus strand). Cytogenetic location: 4q26.
Variant type: single nucleotide variant.
Coding change: c.2557T>C on transcript NM_014822.4 (MANE Select); coding-DNA position 2557, T replaced by C.
Protein change: p.Cys853Arg; replaces cysteine 853 with arginine.
Molecular consequence: missense variant.
Genome position (GRCh38, 1-based): chr4:118,732,852, A>G on the plus strand (T>C on the coding strand, the complement: SEC24D is on the minus strand). VCF-style: chr4-118732852-A-G. GRCh37 (hg19) VCF-style: chr4-119654007-A-G.
Other names: c.2560T>C, p.Cys854Arg (NM_001318066.2); short protein forms C854R, C853R.
Identifiers: ClinVar variation 4630422 (VCV004630422.1).
Genomic context (GRCh38, chr4:118,732,852, plus strand): 5'-CCAGCTGTCTCTGGTATGCTCGTTCATCAGTTGAGATCTCTGGTCTGCTGAGTAGTACAC[A>G]GTTTTTCAACAAGCAATTCATGTACACTGGCAATACTTTCATGGAATCTGGTAGAATAAG-3'
Protein context (NP_055637.2, residues 843-863): PVYMNCLLKN[Cys853Arg]VLLSRPEIST

ClinVar aggregate classification (germline): Uncertain significance (1 of 4 stars; one submission).

Conditions:
Inborn genetic diseases. Identifiers: MedGen C0950123, MeSH D030342.

Submission:

Ambry Genetics
Classification: Uncertain significance for Inborn genetic diseases. Last evaluated: 2025-12-02. Review status: criteria provided, single submitter. Criteria: Ambry Variant Classification Scheme 2023. Collection method: clinical testing. Allele origin: germline.
Comment: The c.2557T>C (p.C853R) alteration is located in exon 20 (coding exon 19) of the SEC24D gene. This alteration results from a T to C substitution at nucleotide position 2557, causing the cysteine (C) at amino acid position 853 to be replaced by an arginine (R). Based on data from gnomAD, the C allele has an overall frequency of <0.001% (1/251070) total alleles studied. The highest observed frequency was 0.001% (1/113528) of European (non-Finnish) alleles. Based on insufficient or conflicting evidence, the clinical significance of this alteration remains unclear.